The following is an entry in ClinVar:

ClinVar aggregate classification (germline): Uncertain significance (1 of 4 stars; one submission).

Conditions:
Gamma-aminobutyric acid transaminase deficiency (GABATD). Also called: GABA aminotransaminase deficiency; GABA transaminase deficiency; Gamma aminobutyrate transaminase deficiency; 4 alpha aminobutyrate transaminase deficiency. Identifiers: Orphanet 2066, MedGen C0342708, MONDO:0013166, OMIM 613163.

Allele frequency attached by ClinVar (database versions not stated): gnomAD exomes below 0.00001; gnomAD 0.00001; TOPMed 0.00001.
gnomAD v4.1: 2 of 1,613,908 alleles (0.00012%); highest among the groups gnomAD compares: Non-Finnish European, 0.00017%; no homozygotes.

Submission:

Labcorp Genetics (formerly Invitae), Labcorp
Classification: Uncertain significance for Gamma-aminobutyric acid transaminase deficiency. Last evaluated: 2022-09-01. Review status: criteria provided, single submitter. Criteria: Invitae Variant Classification Sherloc (09022015). Collection method: clinical testing. Allele origin: germline.
Comment: This variant has not been reported in the literature in individuals affected with ABAT-related conditions. This variant is not present in population databases (gnomAD no frequency). This sequence change replaces alanine, which is neutral and non-polar, with threonine, which is neutral and polar, at codon 151 of the ABAT protein (p.Ala151Thr). In summary, the available evidence is currently insufficient to determine the role of this variant in disease. Therefore, it has been classified as a Variant of Uncertain Significance. Algorithms developed to predict the effect of sequence changes on RNA splicing suggest that this variant may create or strengthen a splice site. Algorithms developed to predict the effect of missense changes on protein structure and function are either unavailable or do not agree on the potential impact of this missense change (SIFT: "Deleterious"; PolyPhen-2: "Benign"; Align-GVGD: "Class C0"). ClinVar contains an entry for this variant (Variation ID: 1373727).

NM_020686.6(ABAT):c.451G>A (p.Ala151Thr)

Gene: ABAT (4-aminobutyrate aminotransferase; plus strand). Cytogenetic location: 16p13.2.
Variant type: single nucleotide variant.
Coding change: c.451G>A on transcript NM_020686.6 (MANE Select); coding-DNA position 451, G replaced by A.
Protein change: p.Ala151Thr; replaces alanine 151 with threonine.
Molecular consequence: missense variant. On other transcripts: intron variant (1).
Genome position (GRCh38, 1-based): chr16:8,764,741, G>A. VCF-style: chr16-8764741-G-A. GRCh37 (hg19) VCF-style: chr16-8858598-G-A.
Other names: c.451G>A, p.Ala151Thr (NM_000663.5, NM_001127448.2, NM_001386600.1 and 9 more transcripts); c.316G>A, p.Ala106Thr (NM_001386610.1, NM_001386611.1, NM_001386612.1 and 1 more transcripts); c.205G>A, p.Ala69Thr (NM_001386614.1); c.547G>A, p.Ala183Thr (NM_001386615.1); c.447+592G>A (NM_001386608.1); short protein forms A183T, A69T, A151T, A106T.
Identifiers: ClinVar variation 1373727 (VCV001373727.6), dbSNP rs1210477111, ClinGen allele CA394688314.